The following is an entry in ClinVar:

ClinVar aggregate classification (germline): Pathogenic. Review status: criteria provided, multiple submitters, no conflicts (2 of 4 stars). 2 submissions from 2 submitters: Pathogenic (2). Last evaluated 2025-01-09.

Conditions:
Hereditary cancer-predisposing syndrome. Also called: Tumor predisposition; Hereditary neoplastic syndrome; Neoplastic Syndromes, Hereditary; Hereditary Cancer Syndrome. Identifiers: Orphanet 140162, MedGen C0027672, MeSH D009386, MONDO:0015356.
Lynch syndrome 4 (LYNCH4). Also called: Hereditary non-polyposis colorectal cancer, type 4; Colorectal cancer, hereditary nonpolyposis, type 4. Identifiers: Orphanet 144, MedGen C1838333, MONDO:0013699, OMIM 614337. Disease mechanism: loss of function.

Submissions (2):

Ambry Genetics
Classification: Pathogenic for Hereditary cancer-predisposing syndrome. Last evaluated: 2025-01-09. Review status: criteria provided, single submitter. Criteria: Ambry Variant Classification Scheme 2023. Collection method: clinical testing. Allele origin: germline.
Comment: The p.Q100* variant (also known as c.298C>T), located in coding exon 4 of the PMS2 gene, results from a C to T substitution at nucleotide position 298. This changes the amino acid from a glutamine to a stop codon within coding exon 4. This alteration is expected to result in loss of function by premature protein truncation or nonsense-mediated mRNA decay. As such, this alteration is interpreted as a disease-causing mutation.

Myriad Genetics, Inc.
Classification: Pathogenic for Lynch syndrome 4. Last evaluated: 2023-09-18. Review status: criteria provided, single submitter. Criteria: Myriad Autosomal Dominant, Autosomal Recessive and X-Linked Classification Criteria (2023). Collection method: clinical testing. Allele origin: unknown.
Comment: This variant is considered pathogenic. This variant creates a termination codon and is predicted to result in premature protein truncation.

NM_000535.7(PMS2):c.298C>T (p.Gln100Ter)

Gene: PMS2 (PMS1 homolog 2, mismatch repair system component; minus strand). Cytogenetic location: 7p22.1.
Variant type: single nucleotide variant.
Coding change: c.298C>T on transcript NM_000535.7 (MANE Select); coding-DNA position 298, C replaced by T.
Protein change: p.Gln100Ter; replaces glutamine 100 with a stop codon.
Molecular consequence: nonsense. On other transcripts: 5 prime UTR variant (35), non-coding transcript variant (1), intron variant (11).
Genome position (GRCh38, 1-based): chr7:6,003,745, G>A on the plus strand (C>T on the coding strand, the complement: PMS2 is on the minus strand). VCF-style: chr7-6003745-G-A. GRCh37 (hg19) VCF-style: chr7-6043376-G-A.
Other names: c.-108C>T (NM_001018040.1, NM_001322003.2, NM_001322004.2 and 14 more transcripts); c.298C>T, p.Gln100Ter (NM_001322006.2, NM_001322014.2, NM_001406869.1 and 8 more transcripts); c.-587C>T (NM_001322011.2, NM_001322012.2); c.-187C>T (NM_001322015.2, NM_001406875.1, NM_001406877.1 and 3 more transcripts); c.484C>T, p.Gln162Ter (NM_001406866.1); c.322C>T, p.Gln108Ter (NM_001406868.1); c.-134C>T (NM_001406880.1); c.-55C>T (NM_001406888.1, NM_001406889.1, NM_001406892.1 and 6 more transcripts); and 5 more; short protein forms Q100*, Q108*, Q162*.
Identifiers: ClinVar variation 2674257 (VCV002674257.2), dbSNP rs1554304696, ClinGen allele CA366744631.